The following is an entry in ClinVar:

ClinVar aggregate classification (germline): Uncertain significance. Review status: criteria provided, multiple submitters, no conflicts (2 of 4 stars). 2 submissions from 2 submitters: Uncertain significance (2). Last evaluated 2025-12-30.

Conditions:
KBG syndrome (KBGS). Also called: ANKRD11-Related KBG Syndrome. Identifiers: Orphanet 2332, MedGen C0220687, MONDO:0007846, OMIM 148050.

Allele frequency attached by ClinVar (database versions not stated): TOPMed 0.00001.
gnomAD v4.1: 12 of 1,613,580 alleles (0.00074%); highest among the groups gnomAD compares: Admixed American, 0.0017%; no homozygotes.

Submissions (2):

Labcorp Genetics (formerly Invitae), Labcorp
Classification: Uncertain significance for KBG syndrome. Last evaluated: 2025-12-30. Review status: criteria provided, single submitter. Criteria: Invitae Variant Classification Sherloc (09022015). Collection method: clinical testing. Allele origin: germline.
Comment: This sequence change replaces alanine, which is neutral and non-polar, with threonine, which is neutral and polar, at codon 66 of the ANKRD11 protein (p.Ala66Thr). This variant is not present in population databases (gnomAD no frequency). This variant has not been reported in the literature in individuals affected with ANKRD11-related conditions. ClinVar contains an entry for this variant (Variation ID: 1027797). Invitae Evidence Modeling of protein sequence and biophysical properties (such as structural, functional, and spatial information, amino acid conservation, physicochemical variation, residue mobility, and thermodynamic stability) indicates that this missense variant is not expected to disrupt ANKRD11 protein function with a negative predictive value of 95%. In summary, the available evidence is currently insufficient to determine the role of this variant in disease. Therefore, it has been classified as a Variant of Uncertain Significance.

Baylor Genetics
Classification: Uncertain significance for KBG syndrome. Last evaluated: 2020-06-08. Review status: criteria provided, single submitter. Criteria: ACMG Guidelines, 2015. Collection method: clinical testing. Allele origin: unknown. Affected: yes.
Comment: This variant was determined to be of uncertain significance according to ACMG Guidelines, 2015 [PMID:25741868].

NM_013275.6(ANKRD11):c.196G>A (p.Ala66Thr)

Gene: ANKRD11 (ankyrin repeat domain 11; minus strand). Cytogenetic location: 16q24.3.
Variant type: single nucleotide variant.
Coding change: c.196G>A on transcript NM_013275.6 (MANE Select); coding-DNA position 196, G replaced by A.
Protein change: p.Ala66Thr; replaces alanine 66 with threonine.
Molecular consequence: missense variant. On other transcripts: non-coding transcript variant (1).
Genome position (GRCh38, 1-based): chr16:89,305,236, C>T on the plus strand (G>A on the coding strand, the complement: ANKRD11 is on the minus strand). VCF-style: chr16-89305236-C-T. GRCh37 (hg19) VCF-style: chr16-89371644-C-T.
Other names: c.196G>A, p.Ala66Thr (NM_001256182.2, NM_001256183.2); short protein forms A66T.
Identifiers: ClinVar variation 1027797 (VCV001027797.5), dbSNP rs949172972, ClinGen allele CA286519221.